The following is an entry in ClinVar:

ClinVar aggregate classification (germline): Pathogenic (1 of 4 stars; one submission).

Submission:

Labcorp Genetics (formerly Invitae), Labcorp
Classification: Pathogenic. Last evaluated: 2023-09-09. Review status: criteria provided, single submitter. Criteria: Invitae Variant Classification Sherloc (09022015). Collection method: clinical testing. Allele origin: germline.
Comment: For these reasons, this variant has been classified as Pathogenic. This variant has not been reported in the literature in individuals affected with COL11A2-related conditions. This variant is not present in population databases (gnomAD no frequency). This sequence change creates a premature translational stop signal (p.Gly643Aspfs*69) in the COL11A2 gene. It is expected to result in an absent or disrupted protein product. Loss-of-function variants in COL11A2 are known to be pathogenic (PMID: 10677296, 21204229).

Literature cited by the submitters: PubMed 10677296; PubMed 21204229.

NM_080680.3(COL11A2):c.1928_1937del (p.Gly643fs)

Gene: COL11A2 (collagen type XI alpha 2 chain; minus strand). Cytogenetic location: 6p21.32.
Variant type: Deletion.
Coding change: c.1928_1937del on transcript NM_080680.3 (MANE Select); coding-DNA positions 1928 to 1937, 10 bases deleted (GAGAGCCAGG; older notation c.1928_1937delGAGAGCCAGG).
Protein change: p.Gly643fs; shifts the reading frame from glycine 643.
Molecular consequence: frameshift variant. On other transcripts: 5 prime UTR variant (1).
Genome position (GRCh38, 1-based): chr6:33,177,446-33,177,455, CCTGGCTCTC deleted on the plus strand (GAGAGCCAGG on the coding strand, the reverse complement: COL11A2 is on the minus strand); deleting any 10 consecutive bases within chr6:33,177,446-33,177,460 gives the same sequence; the c. name uses the placement nearest the transcript's 3' end. VCF-style (leftmost placement, unchanged base first): chr6-33177445-TCCTGGCTCTC-T. GRCh37 (hg19) VCF-style: chr6-33145222-TCCTGGCTCTC-T.
Other names: c.1748_1757del, p.Gly583fs (NM_001424108.1); c.1082_1091del, p.Gly361fs (NM_001424109.1); c.902_911del, p.Gly301fs (NM_001424110.1, NM_001424111.1); c.-119_-110del (NM_001424112.1); c.1607_1616del, p.Gly536fs (NM_080679.3); c.1670_1679del, p.Gly557fs (NM_080681.3); short protein forms G361fs, G536fs, G583fs, G301fs, G557fs, G643fs.
Identifiers: ClinVar variation 2759391 (VCV002759391.3), dbSNP rs1771082393, ClinGen allele CA1619899627.